The following is an entry in ClinVar:

NM_003244.4(TGIF1):c.16+1596C>G

Gene: TGIF1 (TGFB induced factor homeobox 1; plus strand). Cytogenetic location: 18p11.31.
Variant type: single nucleotide variant.
Coding change: c.16+1596C>G on transcript NM_003244.4 (MANE Select); 1596 bases into the intron after coding-DNA position 16, C replaced by G.
Molecular consequence: intron variant. On other transcripts: 5 prime UTR variant (1).
Genome position (GRCh38, 1-based): chr18:3,452,101, C>G. VCF-style: chr18-3452101-C-G. GRCh37 (hg19) VCF-style: chr18-3452099-C-G.
Other names: c.-326C>G (NM_170695.5); c.-44-4253C>G (NM_174886.3, NM_001278686.3); c.59-4253C>G (NM_173207.4); c.-45+3562C>G (NM_001374396.1); c.25+2445C>G (NM_001278682.2); c.16+1596C>G (NM_173208.3, NM_001278684.2); c.-45+2031C>G (NM_173209.3); c.-45+326C>G (NM_173210.4); and 1 more.
Identifiers: ClinVar variation 4993436 (VCV004993436.1).

ClinVar aggregate classification (germline): Uncertain significance (1 of 4 stars; one submission).

Conditions:
TGIF1-related disorder. Also called: TGIF1-related condition.

Submission:

PreventionGenetics, part of Exact Sciences
Classification: Uncertain significance for TGIF1-related condition. Last evaluated: 2026-09-11. Review status: criteria provided, single submitter. Criteria: ACMG Guidelines, 2015. Collection method: clinical testing. Allele origin: germline.
Comment: The TGIF1 c.122C>G variant is predicted to result in the amino acid substitution p.Ser41Cys. To our knowledge, this variant has not been reported in the literature or in a large population database (gnomAD), indicating this variant is rare. At this time, the clinical significance of this variant is uncertain due to the absence of conclusive functional and genetic evidence.